The following is an entry in ClinVar:

NM_001055.4(SULT1A1):c.27C>T (p.Arg9=)

Gene: SULT1A1 (sulfotransferase family 1A member 1; minus strand). Cytogenetic location: 16p11.2.
Variant type: single nucleotide variant.
Coding change: c.27C>T on transcript NM_001055.4 (MANE Select); coding-DNA position 27, C replaced by T.
Protein change: p.Arg9=; no amino-acid change (arginine 9 retained).
Molecular consequence: synonymous variant. On other transcripts: intron variant (1).
Genome position (GRCh38, 1-based): chr16:28,608,829, G>A on the plus strand (C>T on the coding strand, the complement: SULT1A1 is on the minus strand). VCF-style: chr16-28608829-G-A. GRCh37 (hg19) VCF-style: chr16-28620150-G-A.
Other names: c.27C>T, p.Arg9= (NM_177530.4, NM_177534.4, NM_001394421.1 and 5 more transcripts); c.70-1752C>T (NM_177536.5).
Identifiers: ClinVar variation 2646352 (VCV002646352.24), dbSNP rs138941775, ClinGen allele CA7983525.

ClinVar aggregate classification (germline): Likely benign (1 of 4 stars; one submission).

Allele frequency attached by ClinVar (database versions not stated): ExAC 0.00051; gnomAD 0.00132; 1000 Genomes Project 0.00140; ESP Exome Variant Server 0.00169; 1000 Genomes Project 30x 0.00187.

Submission:

CeGaT Center for Human Genetics Tuebingen
Classification: Likely benign. Last evaluated: 2022-05-01. Review status: criteria provided, single submitter. Criteria: CeGaT Center For Human Genetics Tuebingen Variant Classification Criteria Version 2. Collection method: clinical testing. Allele origin: germline. Affected: yes. Observed: 1 variant allele.
Comment: SULT1A1: BP4, BP7